The following is an entry in ClinVar:

ClinVar aggregate classification (germline): Likely pathogenic (1 of 4 stars; one submission).

Conditions:
GK-related disorder. Also called: GK-related condition.

Submission:

PreventionGenetics, part of Exact Sciences
Classification: Likely pathogenic for GK-related condition. Last evaluated: 2026-02-19. Review status: criteria provided, single submitter. Criteria: ACMG Guidelines, 2015. Collection method: clinical testing. Allele origin: germline.
Comment: The GK c.1509G>A variant is predicted to result in premature protein termination (p.Trp503*). To our knowledge, this variant has not been reported in the literature or in a large population database (gnomAD), indicating this variant is rare. Nonsense variants in GK are expected to be pathogenic. This variant is interpreted as likely pathogenic.

NM_001205019.2(GK):c.1527G>A (p.Trp509Ter)

Gene: GK (glycerol kinase; plus strand). Cytogenetic location: Xp21.2.
Variant type: single nucleotide variant.
Coding change: c.1527G>A on transcript NM_001205019.2 (MANE Select); coding-DNA position 1527, G replaced by A.
Protein change: p.Trp509Ter; replaces tryptophan 509 with a stop codon.
Molecular consequence: nonsense. On other transcripts: non-coding transcript variant (7).
Genome position (GRCh38, 1-based): chrX:30,724,126, G>A. VCF-style: chrX-30724126-G-A. GRCh37 (hg19) VCF-style: chrX-30742243-G-A.
Other names: c.1509G>A, p.Trp503Ter (NM_000167.6, NM_001128127.3); c.1593G>A, p.Trp531Ter (NM_001399987.1, NM_001437590.1); c.1527G>A, p.Trp509Ter (NM_203391.4); short protein forms W503*, W509*, W531*.
Identifiers: ClinVar variation 4995828 (VCV004995828.1).